The following is an entry in ClinVar:

ClinVar aggregate classification (germline): Conflicting classifications of pathogenicity. Review status: criteria provided, conflicting classifications (1 of 4 stars). 8 submissions from 8 submitters: Uncertain significance (2); Likely benign (4). 2 of the submissions do not count toward it. Last evaluated 2026-07-01.

Conditions:
LAMC3-related disorder. Also called: LAMC3-related condition.
Intellectual disability. Also called: Intellectual functioning disability; intellectual disabilities; Intellectual developmental disorder. Identifiers: MedGen C3714756, MeSH D008607, MONDO:0001071, HP:0001249.

Allele frequency attached by ClinVar (database versions not stated): 1000 Genomes Project 0.00080; ExAC 0.00086; 1000 Genomes Project 30x 0.00094; ESP Exome Variant Server 0.00107; gnomAD 0.00145 and 0.00175; gnomAD exomes 0.00151 and 0.00160; TOPMed 0.00165.
gnomAD v4.1: 2,478 of 1,540,378 alleles (0.16%); highest among the groups gnomAD compares: Middle Eastern, 0.69%; 3 homozygotes.

Submissions (8):

CeGaT Center for Human Genetics Tuebingen
Classification: Likely benign. Last evaluated: 2026-07-01. Review status: criteria provided, single submitter. Criteria: CeGaT Center For Human Genetics Tuebingen Variant Classification Criteria Version 2. Collection method: clinical testing. Allele origin: germline. Affected: yes. Observed: 3 variant alleles.
Comment: LAMC3: BP4

Labcorp Genetics (formerly Invitae), Labcorp
Classification: Likely benign. Last evaluated: 2026-01-19. Review status: criteria provided, single submitter. Criteria: Invitae Variant Classification Sherloc (09022015). Collection method: clinical testing. Allele origin: germline.

Blueprint Genetics
Classification: Likely benign. Last evaluated: 2024-11-01. Review status: criteria provided, single submitter. Criteria: ACMG Guidelines, 2015. Collection method: clinical testing. Allele origin: germline.

Genetic Services Laboratory, University of Chicago
Classification: Uncertain significance. Last evaluated: 2017-11-13. Review status: criteria provided, single submitter. Criteria: ACMG Guidelines, 2015. Collection method: clinical testing. Allele origin: germline. Affected: no.

GeneDx
Classification: Likely benign. Last evaluated: 2017-04-14. Review status: criteria provided, single submitter. Criteria: GeneDx Variant Classification (06012015). Collection method: clinical testing. Allele origin: germline. Affected: yes.
Comment: This variant is considered likely benign or benign based on one or more of the following criteria: it is a conservative change, it occurs at a poorly conserved position in the protein, it is predicted to be benign by multiple in silico algorithms, and/or has population frequency not consistent with disease.

Eurofins Ntd Llc (ga)
Classification: Uncertain significance. Last evaluated: 2016-07-22. Review status: criteria provided, single submitter. Criteria: EGL Classification Definitions 2015. Collection method: clinical testing. Allele origin: germline. Observed: 1 variant allele, 1 heterozygote.

PreventionGenetics, part of Exact Sciences
Classification: Likely benign for LAMC3-related condition. Last evaluated: 2023-05-19. Review status: no assertion criteria provided. Collection method: clinical testing. Allele origin: germline. Not counted in ClinVar's aggregate classification.
Comment: This variant is classified as likely benign based on ACMG/AMP sequence variant interpretation guidelines (Richards et al. 2015 PMID: 25741868, with internal and published modifications).

Centre de Biologie Pathologie Génétique, Centre Hospitalier Universitaire de Lille
Classification: Likely benign for Intellectual disability. Last evaluated: 2019-01-01. Review status: no assertion criteria provided. Collection method: clinical testing. Allele origin: inherited. Affected: yes. Not counted in ClinVar's aggregate classification.

NM_006059.4(LAMC3):c.1520-6G>A

Gene: LAMC3 (laminin subunit gamma 3; plus strand). Cytogenetic location: 9q34.12.
Variant type: single nucleotide variant.
Coding change: c.1520-6G>A on transcript NM_006059.4 (MANE Select); 6 bases into the intron before coding-DNA position 1520, G replaced by A.
Molecular consequence: intron variant.
Genome position (GRCh38, 1-based): chr9:131,049,014, G>A. VCF-style: chr9-131049014-G-A. GRCh37 (hg19) VCF-style: chr9-133924401-G-A.
Identifiers: ClinVar variation 289731 (VCV000289731.44), dbSNP rs192031352, ClinGen allele CA5287123.